The following is an entry in ClinVar:

NM_006767.4(LZTR1):c.264-11_264-10delinsTG

Gene: LZTR1 (leucine zipper like post translational regulator 1; plus strand). Cytogenetic location: 22q11.21.
Variant type: Indel.
Coding change: c.264-11_264-10delinsTG on transcript NM_006767.4 (MANE Select); 11 bases into the intron before coding-DNA position 264 through 10 bases into the intron before coding-DNA position 264, CT replaced by TG.
Molecular consequence: intron variant.
Genome position (GRCh38, 1-based): chr22:20,985,830-20,985,831, CT replaced by TG. VCF-style: chr22-20985830-CT-TG. GRCh37 (hg19) VCF-style: chr22-21340119-CT-TG.
Identifiers: ClinVar variation 3713817 (VCV003713817.1).

ClinVar aggregate classification (germline): Uncertain significance (1 of 4 stars; one submission).

Submission:

Labcorp Genetics (formerly Invitae), Labcorp
Classification: Uncertain significance. Last evaluated: 2024-03-21. Review status: criteria provided, single submitter. Criteria: Invitae Variant Classification Sherloc (09022015). Collection method: clinical testing. Allele origin: germline.
Comment: This sequence change falls in intron 2 of the LZTR1 gene. It does not directly change the encoded amino acid sequence of the LZTR1 protein. Information on the frequency of this variant in the gnomAD database is not available, as this variant may be reported differently in the database. This variant has not been reported in the literature in individuals affected with LZTR1-related conditions. Experimental studies and prediction algorithms are not available or were not evaluated, and the effect of this variant on mRNA splicing is currently unknown. In summary, the available evidence is currently insufficient to determine the role of this variant in disease. Therefore, it has been classified as a Variant of Uncertain Significance.